The following is an entry in ClinVar:

NM_015450.3(POT1):c.346C>T (p.Pro116Ser)

Gene: POT1 (protection of telomeres 1; minus strand). Cytogenetic location: 7q31.33.
Variant type: single nucleotide variant.
Coding change: c.346C>T on transcript NM_015450.3 (MANE Select); coding-DNA position 346, C replaced by T.
Protein change: p.Pro116Ser; replaces proline 116 with serine.
Molecular consequence: missense variant. On other transcripts: 5 prime UTR variant (1), non-coding transcript variant (3).
Genome position (GRCh38, 1-based): chr7:124,863,550, G>A on the plus strand (C>T on the coding strand, the complement: POT1 is on the minus strand). VCF-style: chr7-124863550-G-A. GRCh37 (hg19) VCF-style: chr7-124503604-G-A.
Other names: c.-48C>T (NM_001042594.2); short protein forms P116S.
Identifiers: ClinVar variation 847367 (VCV000847367.10), dbSNP rs1795650286, ClinGen allele CA369059995.

ClinVar aggregate classification (germline): Uncertain significance. Review status: criteria provided, multiple submitters, no conflicts (2 of 4 stars). 2 submissions from 2 submitters: Uncertain significance (2). Last evaluated 2023-09-13.

Conditions:
Tumor predisposition syndrome 3 (TPDS3). Also called: Glioma susceptibility 9; LONG TELOMERE SYNDROME, POT1-RELATED; POT1 Tumor Predisposition; Melanoma, cutaneous malignant, susceptibility to, 10. Identifiers: Orphanet 618, MedGen C4014476, MONDO:0014368, OMIM 615848.
Hereditary cancer-predisposing syndrome. Also called: Tumor predisposition; Hereditary Cancer Syndrome; Hereditary neoplastic syndrome; Neoplastic Syndromes, Hereditary. Identifiers: Orphanet 140162, MedGen C0027672, MeSH D009386, MONDO:0015356.

Allele frequency attached by ClinVar (database versions not stated): TOPMed below 0.00001.

Submissions (2):

Ambry Genetics
Classification: Uncertain significance for Hereditary cancer-predisposing syndrome. Last evaluated: 2023-09-13. Review status: criteria provided, single submitter. Criteria: Ambry Variant Classification Scheme 2023. Collection method: clinical testing. Allele origin: germline.
Comment: The p.P116S variant (also known as c.346C>T), located in coding exon 4 of the POT1 gene, results from a C to T substitution at nucleotide position 346. The proline at codon 116 is replaced by serine, an amino acid with similar properties. This amino acid position is highly conserved in available vertebrate species. In addition, the in silico prediction for this alteration is inconclusive. Since supporting evidence is limited at this time, the clinical significance of this alteration remains unclear.

Labcorp Genetics (formerly Invitae), Labcorp
Classification: Uncertain significance for Tumor predisposition syndrome 3. Last evaluated: 2021-11-25. Review status: criteria provided, single submitter. Criteria: Invitae Variant Classification Sherloc (09022015). Collection method: clinical testing. Allele origin: germline.
Comment: This sequence change replaces proline, which is neutral and non-polar, with serine, which is neutral and polar, at codon 116 of the POT1 protein (p.Pro116Ser). This variant is not present in population databases (gnomAD no frequency). In summary, the available evidence is currently insufficient to determine the role of this variant in disease. Therefore, it has been classified as a Variant of Uncertain Significance. Algorithms developed to predict the effect of missense changes on protein structure and function are either unavailable or do not agree on the potential impact of this missense change (SIFT: "Tolerated"; PolyPhen-2: "Probably Damaging"; Align-GVGD: "Class C0"). ClinVar contains an entry for this variant (Variation ID: 847367). This variant has not been reported in the literature in individuals affected with POT1-related conditions.